The following is an entry in ClinVar:

ClinVar aggregate classification (germline): Uncertain significance (1 of 4 stars; one submission).

Conditions:
Bardet-Biedl syndrome (BBS). Identifiers: Orphanet 110, MedGen C0752166, MONDO:0015229.

Submission:

Labcorp Genetics (formerly Invitae), Labcorp
Classification: Uncertain significance for Bardet-Biedl syndrome. Last evaluated: 2022-07-08. Review status: criteria provided, single submitter. Criteria: Invitae Variant Classification Sherloc (09022015). Collection method: clinical testing. Allele origin: germline.
Comment: This sequence change replaces alanine, which is neutral and non-polar, with glycine, which is neutral and non-polar, at codon 207 of the WDPCP protein (p.Ala207Gly). In summary, the available evidence is currently insufficient to determine the role of this variant in disease. Therefore, it has been classified as a Variant of Uncertain Significance. Algorithms developed to predict the effect of missense changes on protein structure and function (SIFT, PolyPhen-2, Align-GVGD) all suggest that this variant is likely to be tolerated. This variant has not been reported in the literature in individuals affected with WDPCP-related conditions. This variant is not present in population databases (gnomAD no frequency).

NM_015910.7(WDPCP):c.620C>G (p.Ala207Gly)

Gene: WDPCP (WD repeat containing planar cell polarity effector; minus strand). Cytogenetic location: 2p15.
Variant type: single nucleotide variant.
Coding change: c.620C>G on transcript NM_015910.7 (MANE Select); coding-DNA position 620, C replaced by G.
Protein change: p.Ala207Gly; replaces alanine 207 with glycine.
Molecular consequence: missense variant. On other transcripts: non-coding transcript variant (3).
Genome position (GRCh38, 1-based): chr2:63,437,434, G>C on the plus strand (C>G on the coding strand, the complement: WDPCP is on the minus strand). VCF-style: chr2-63437434-G-C. GRCh37 (hg19) VCF-style: chr2-63664568-G-C.
Other names: c.143C>G, p.Ala48Gly (NM_001042692.3); c.548C>G, p.Ala183Gly (NM_001354044.2); c.620C>G, p.Ala207Gly (NM_001354045.2); short protein forms A48G, A207G, A183G.
Identifiers: ClinVar variation 1993403 (VCV001993403.4), dbSNP rs2466977819, ClinGen allele CA347063332.